The following is an entry in ClinVar:

NM_173354.5(SIK1):c.658G>A (p.Gly220Ser)

Gene: SIK1 (salt inducible kinase 1; minus strand). Cytogenetic location: 21q22.3.
Variant type: single nucleotide variant.
Coding change: c.658G>A on transcript NM_173354.5 (MANE Select); coding-DNA position 658, G replaced by A.
Protein change: p.Gly220Ser; replaces glycine 220 with serine.
Molecular consequence: missense variant.
Genome position (GRCh38, 1-based): chr21:43,421,100, C>T on the plus strand (G>A on the coding strand, the complement: SIK1 is on the minus strand). VCF-style: chr21-43421100-C-T. GRCh37 (hg19) VCF-style: chr21-44840980-C-T.
Other names: short protein forms G220S.
Identifiers: ClinVar variation 3616422 (VCV003616422.2).

ClinVar aggregate classification (germline): Uncertain significance (1 of 4 stars; one submission).

Conditions:
Developmental and epileptic encephalopathy, 30 (DEE30). Also called: Epileptic encephalopathy, early infantile, 30. Identifiers: MedGen C4225360, MONDO:0014595, OMIM 616341.

Submission:

Labcorp Genetics (formerly Invitae), Labcorp
Classification: Uncertain significance for Developmental and epileptic encephalopathy, 30. Last evaluated: 2024-03-13. Review status: criteria provided, single submitter. Criteria: Invitae Variant Classification Sherloc (09022015). Collection method: clinical testing. Allele origin: germline.
Comment: This sequence change replaces glycine, which is neutral and non-polar, with serine, which is neutral and polar, at codon 220 of the SIK1 protein (p.Gly220Ser). This variant is not present in population databases (gnomAD no frequency). This variant has not been reported in the literature in individuals affected with SIK1-related conditions. Advanced modeling of protein sequence and biophysical properties (such as structural, functional, and spatial information, amino acid conservation, physicochemical variation, residue mobility, and thermodynamic stability) performed at Invitae indicates that this missense variant is expected to disrupt SIK1 protein function with a positive predictive value of 95%. In summary, the available evidence is currently insufficient to determine the role of this variant in disease. Therefore, it has been classified as a Variant of Uncertain Significance.